The following is an entry in ClinVar:

ClinVar aggregate classification (germline): Uncertain significance (1 of 4 stars; one submission).

gnomAD v4.1: 3 of 1,429,510 alleles (0.00021%); highest among the groups gnomAD compares: Middle Eastern, 0.025%; no homozygotes.

Submission:

Labcorp Genetics (formerly Invitae), Labcorp
Classification: Uncertain significance. Last evaluated: 2024-04-04. Review status: criteria provided, single submitter. Criteria: Invitae Variant Classification Sherloc (09022015). Collection method: clinical testing. Allele origin: germline.
Comment: This sequence change affects codon 86 of the GAS1 mRNA. It is a 'silent' change, meaning that it does not change the encoded amino acid sequence of the GAS1 protein. This variant is not present in population databases (gnomAD no frequency). This variant has not been reported in the literature in individuals affected with GAS1-related conditions. In summary, the available evidence is currently insufficient to determine the role of this variant in disease. Therefore, it has been classified as a Variant of Uncertain Significance.

NM_002048.3(GAS1):c.258G>A (p.Gly86=)

Genes: GAS1 (growth arrest specific 1; minus strand), LOC130001972 (ATAC-STARR-seq lymphoblastoid silent region 19998; plus strand). Cytogenetic location: 9q21.33.
Variant type: single nucleotide variant.
Coding change: c.258G>A on transcript NM_002048.3 (MANE Select); coding-DNA position 258, G replaced by A.
Protein change: p.Gly86=; no amino-acid change (glycine 86 retained).
Molecular consequence: synonymous variant.
Genome position (GRCh38, 1-based): chr9:86,946,522, C>T on the plus strand (G>A on the coding strand, the complement: GAS1 is on the minus strand). VCF-style: chr9-86946522-C-T. GRCh37 (hg19) VCF-style: chr9-89561437-C-T.
Identifiers: ClinVar variation 3688893 (VCV003688893.2).
Genomic context (GRCh38, chr9:86,946,522, plus strand): 5'-CGGGCAGCGCCAGCGCGACGAGAAAGAGGCGGCCGAGGCCGGGAAAGCGGCGGCGGCGGC[C>T]CCGGGCGCGTCGCCCCCGCCGTGCTGCGCCAGCACCGGCGCGCACGCCTCGGCGTACTGG-3'
Protein context (NP_002039.2, residues 76-96): LAQHGGGDAP[Gly86=]AAAAAFPASA